The following is an entry in ClinVar:

ClinVar aggregate classification (germline): Likely benign (1 of 4 stars; one submission).

Allele frequency attached by ClinVar (database versions not stated): ESP Exome Variant Server 0.00015; gnomAD 0.00073; 1000 Genomes Project 30x 0.00141; 1000 Genomes Project 0.00180; ExAC 0.00185.
gnomAD v4.1: 610 of 1,599,776 alleles (0.038%); highest among the groups gnomAD compares: South Asian, 0.28%; 6 homozygotes.

Submission:

CeGaT Center for Human Genetics Tuebingen
Classification: Likely benign. Last evaluated: 2022-12-01. Review status: criteria provided, single submitter. Criteria: CeGaT Center For Human Genetics Tuebingen Variant Classification Criteria Version 2. Collection method: clinical testing. Allele origin: germline. Affected: yes. Observed: 1 variant allele.
Comment: NOC4L: BP4, BP7

NM_024078.3(NOC4L):c.864G>A (p.Thr288=)

Gene: NOC4L (nucleolar complex associated 4 homolog; plus strand). Cytogenetic location: 12q24.33.
Variant type: single nucleotide variant.
Coding change: c.864G>A on transcript NM_024078.3 (MANE Select); coding-DNA position 864, G replaced by A.
Protein change: p.Thr288=; no amino-acid change (threonine 288 retained).
Molecular consequence: synonymous variant. On other transcripts: non-coding transcript variant (3).
Genome position (GRCh38, 1-based): chr12:132,148,858, G>A. VCF-style: chr12-132148858-G-A. GRCh37 (hg19) VCF-style: chr12-132633403-G-A.
Other names: c.846G>A, p.Thr282= (NM_001414688.1); c.813G>A, p.Thr271= (NM_001414689.1); c.807G>A, p.Thr269= (NM_001414690.1); c.804G>A, p.Thr268= (NM_001414691.1); c.591G>A, p.Thr197= (NM_001414692.1).
Identifiers: ClinVar variation 2643633 (VCV002643633.24), dbSNP rs377205374, ClinGen allele CA6889276.